The following is an entry in ClinVar:

NM_020338.4(ZMIZ1):c.849_851dup (p.Ala287_Val288insAla)

Gene: ZMIZ1 (zinc finger MIZ-type containing 1; plus strand). Cytogenetic location: 10q22.3.
Variant type: Duplication.
Coding change: c.849_851dup on transcript NM_020338.4 (MANE Select); coding-DNA positions 849 to 851, 3 bases duplicated (TGC; older notation c.849_851dupTGC).
Protein change: p.Ala287_Val288insAla.
Molecular consequence: inframe insertion.
Genome position (GRCh38, 1-based): chr10:79,292,248-79,292,250, TGC duplicated; duplicating any 3 consecutive bases within chr10:79,292,246-79,292,250 gives the same sequence; the c. name uses the placement nearest the transcript's 3' end. VCF-style (leftmost placement, unchanged base first): chr10-79292245-C-CGCT. GRCh37 (hg19) VCF-style: chr10-81052002-C-CGCT.
Identifiers: ClinVar variation 2629549 (VCV002629549.3), dbSNP rs957272829, ClinGen allele CA210209264.
Genomic context (GRCh38, chr10:79,292,245, plus strand): 5'-AGGCATGGGCATCCCTCCGCACACCAGGCCGCCTGCTGACTTCACTCAGCCCGCGGCAGC[C>CGCT]GCTGCAGCAGCGGCAGTGGCAGCAGCAGCAGCCACAGCTACAGCCACAGCCACGGCCACT-3'

ClinVar aggregate classification (germline): Uncertain significance. Review status: criteria provided, multiple submitters, no conflicts (2 of 4 stars). 2 submissions from 2 submitters: Uncertain significance (2). Last evaluated 2024-04-01.

Conditions:
ZMIZ1-related disorder. Also called: ZMIZ1-related condition.

Submissions (2):

Labcorp Genetics (formerly Invitae), Labcorp
Classification: Uncertain significance. Last evaluated: 2024-04-01. Review status: criteria provided, single submitter. Criteria: Invitae Variant Classification Sherloc (09022015). Collection method: clinical testing. Allele origin: germline.
Comment: This variant, c.849_851dup, results in the insertion of 1 amino acid(s) of the ZMIZ1 protein (p.Ala287dup), but otherwise preserves the integrity of the reading frame. This variant is not present in population databases (gnomAD no frequency). This variant has not been reported in the literature in individuals affected with ZMIZ1-related conditions. ClinVar contains an entry for this variant (Variation ID: 2629549). In summary, the available evidence is currently insufficient to determine the role of this variant in disease. Therefore, it has been classified as a Variant of Uncertain Significance.

PreventionGenetics, part of Exact Sciences
Classification: Uncertain significance for ZMIZ1-related condition. Last evaluated: 2023-02-22. Review status: criteria provided, single submitter. Criteria: ACMG Guidelines, 2015. Collection method: clinical testing. Allele origin: germline.
Comment: The ZMIZ1 c.849_851dupTGC variant is predicted to result in an in-frame duplication (p.Ala287dup). To our knowledge, this variant has not been reported in the literature or in a large population database, indicating this variant is rare. At this time, the clinical significance of this variant is uncertain due to the absence of conclusive functional and genetic evidence.